The following is an entry in ClinVar:

ClinVar aggregate classification (germline): Conflicting classifications of pathogenicity. Review status: criteria provided, conflicting classifications (1 of 4 stars). 3 submissions from 3 submitters: Uncertain significance (2); Benign (1). Last evaluated 2026-01-09.

Conditions:
Gastrointestinal stromal tumor. Also called: Gastrointestinal stromal tumor, somatic; Gastrointestinal stroma tumor. Identifiers: Orphanet 44890, MedGen C0238198, MeSH D046152, MONDO:0011719, OMIM 606764, HP:0100723.
Hereditary cancer-predisposing syndrome. Also called: Neoplastic Syndromes, Hereditary; Tumor predisposition; Hereditary Cancer Syndrome; Hereditary neoplastic syndrome. Identifiers: Orphanet 140162, MedGen C0027672, MeSH D009386, MONDO:0015356.
Polyps, multiple and recurrent inflammatory fibroid, gastrointestinal. Identifiers: MedGen C5193005, MONDO:0008285, OMIM 175510.

Allele frequency attached by ClinVar (database versions not stated): gnomAD below 0.00001 and 0.00002; gnomAD exomes 0.00001 and 0.00002; ExAC 0.00002.
gnomAD v4.1: 23 of 1,614,114 alleles (0.0014%); highest among the groups gnomAD compares: South Asian, 0.023%; no homozygotes.

Submissions (3):

Labcorp Genetics (formerly Invitae), Labcorp
Classification: Uncertain significance for Gastrointestinal stromal tumor. Last evaluated: 2026-01-09. Review status: criteria provided, single submitter. Criteria: Invitae Variant Classification Sherloc (09022015). Collection method: clinical testing. Allele origin: germline.
Comment: This sequence change replaces valine, which is neutral and non-polar, with alanine, which is neutral and non-polar, at codon 69 of the PDGFRA protein (p.Val69Ala). This variant is present in population databases (rs757101121, gnomAD 0.01%). This variant has not been reported in the literature in individuals affected with PDGFRA-related conditions. ClinVar contains an entry for this variant (Variation ID: 843187). Invitae Evidence Modeling of protein sequence and biophysical properties (such as structural, functional, and spatial information, amino acid conservation, physicochemical variation, residue mobility, and thermodynamic stability) indicates that this missense variant is not expected to disrupt PDGFRA protein function with a negative predictive value of 80%. In summary, the available evidence is currently insufficient to determine the role of this variant in disease. Therefore, it has been classified as a Variant of Uncertain Significance.

Ambry Genetics
Classification: Benign for Hereditary cancer-predisposing syndrome. Last evaluated: 2024-10-28. Review status: criteria provided, single submitter. Criteria: Ambry Variant Classification Scheme 2023. Collection method: clinical testing. Allele origin: germline.

Baylor Genetics
Classification: Uncertain significance for Polyps, multiple and recurrent inflammatory fibroid, gastrointestinal. Last evaluated: 2023-09-23. Review status: criteria provided, single submitter. Criteria: ACMG Guidelines, 2015. Collection method: clinical testing. Allele origin: unknown.

NM_006206.6(PDGFRA):c.206T>C (p.Val69Ala)

Gene: PDGFRA (platelet derived growth factor receptor alpha; plus strand). Cytogenetic location: 4q12.
Variant type: single nucleotide variant.
Coding change: c.206T>C on transcript NM_006206.6 (MANE Select); coding-DNA position 206, T replaced by C.
Protein change: p.Val69Ala; replaces valine 69 with alanine.
Molecular consequence: missense variant.
Genome position (GRCh38, 1-based): chr4:54,261,251, T>C. VCF-style: chr4-54261251-T-C. GRCh37 (hg19) VCF-style: chr4-55127418-T-C.
Other names: c.206T>C, p.Val69Ala (NM_001347827.2, NM_001347829.2); c.281T>C, p.Val94Ala (NM_001347828.2); c.245T>C, p.Val82Ala (NM_001347830.2); short protein forms V94A, V82A, V69A.
Identifiers: ClinVar variation 843187 (VCV000843187.9), dbSNP rs757101121, ClinGen allele CA2922245.